The following is an entry in ClinVar:

ClinVar aggregate classification (germline): Uncertain significance (1 of 4 stars; one submission).

Submission:

GeneDx
Classification: Uncertain significance. Last evaluated: 2025-07-07. Review status: criteria provided, single submitter. Criteria: GeneDx Variant Classification Process June 2021. Collection method: clinical testing. Allele origin: germline. Affected: yes.
Comment: Not observed at significant frequency in large population cohorts (gnomAD); In silico analysis suggests that this missense variant does not alter protein structure/function; Has not been previously published as pathogenic or benign to our knowledge

NM_001146156.2(GSK3B):c.1138C>T (p.Pro380Ser)

Gene: GSK3B (glycogen synthase kinase 3 beta; minus strand). Cytogenetic location: 3q13.33.
Variant type: single nucleotide variant.
Coding change: c.1138C>T on transcript NM_001146156.2 (MANE Select); coding-DNA position 1138, C replaced by T.
Protein change: p.Pro380Ser; replaces proline 380 with serine.
Molecular consequence: missense variant. On other transcripts: intron variant (1).
Genome position (GRCh38, 1-based): chr3:119,843,312, G>A on the plus strand (C>T on the coding strand, the complement: GSK3B is on the minus strand). VCF-style: chr3-119843312-G-A. GRCh37 (hg19) VCF-style: chr3-119562159-G-A.
Other names: c.1177C>T, p.Pro393Ser (NM_002093.4); c.1097-16457C>T (NM_001354596.2); short protein forms P380S, P393S.
Identifiers: ClinVar variation 4685361 (VCV004685361.1).